The following is an entry in ClinVar:

ClinVar aggregate classification (germline): Conflicting classifications of pathogenicity. Review status: criteria provided, conflicting classifications (1 of 4 stars). 3 submissions from 3 submitters: Uncertain significance (2); Likely benign (1). Last evaluated 2026-01-21.

Conditions:
KMT2D-related disorder. Also called: KMT2D-Related Disorders.
Inborn genetic diseases. Identifiers: MedGen C0950123, MeSH D030342.
Kabuki syndrome. Also called: Kabuki make-up syndrome; NIIKAWA-KUROKI SYNDROME. Identifiers: Orphanet 2322, MedGen C0796004, MONDO:0016512.

Submissions (3):

PreventionGenetics, part of Exact Sciences
Classification: Uncertain significance for KMT2D-related condition. Last evaluated: 2026-01-21. Review status: criteria provided, single submitter. Criteria: ACMG Guidelines, 2015. Collection method: clinical testing. Allele origin: germline.
Comment: The KMT2D c.10417C>G variant is predicted to result in the amino acid substitution p.His3473Asp. To our knowledge, this variant has not been reported in the literature. This variant is reported in 0.00089% of alleles in individuals of European (Non-Finnish) descent in gnomAD. At this time, the clinical significance of this variant is uncertain due to the absence of conclusive functional and genetic evidence.

Ambry Genetics
Classification: Uncertain significance for Inborn genetic diseases. Last evaluated: 2025-04-17. Review status: criteria provided, single submitter. Criteria: Ambry Variant Classification Scheme 2023. Collection method: clinical testing. Allele origin: germline.

Labcorp Genetics (formerly Invitae), Labcorp
Classification: Likely benign for Kabuki syndrome. Last evaluated: 2024-07-06. Review status: criteria provided, single submitter. Criteria: Invitae Variant Classification Sherloc (09022015). Collection method: clinical testing. Allele origin: germline.

NM_003482.4(KMT2D):c.10417C>G (p.His3473Asp)

Gene: KMT2D (lysine methyltransferase 2D; minus strand). Cytogenetic location: 12q13.12.
Variant type: single nucleotide variant.
Coding change: c.10417C>G on transcript NM_003482.4 (MANE Select); coding-DNA position 10417, C replaced by G.
Protein change: p.His3473Asp; replaces histidine 3473 with aspartic acid.
Molecular consequence: missense variant.
Genome position (GRCh38, 1-based): chr12:49,034,605, G>C on the plus strand (C>G on the coding strand, the complement: KMT2D is on the minus strand). VCF-style: chr12-49034605-G-C. GRCh37 (hg19) VCF-style: chr12-49428388-G-C.
Other names: short protein forms H3473D.
Identifiers: ClinVar variation 3702745 (VCV003702745.4).
Genomic context (GRCh38, chr12:49,034,605, plus strand): 5'-ATAAGACACAAGTTCCTACTCCCACCTGACCACTTACCTGGCCACTCCCAGCTGCCACAT[G>C]GTTCTGCAGATCACTGCTAGGTCCCCCCGAGAGCCTCTGGGCTAGCAGAGACACTTGCTG-3'
Protein context (NP_003473.3, residues 3463-3483): SGGPSSDLQN[His3473Asp]VAAGSGQERS